The following is an entry in ClinVar:

NM_002016.2(FLG):c.8595C>T (p.Ala2865=)

Genes: CCDST (cervical cancer associated DHX9 suppressive transcript; plus strand), FLG (filaggrin; minus strand). Cytogenetic location: 1q21.3.
Variant type: single nucleotide variant.
Coding change: c.8595C>T on transcript NM_002016.2 (MANE Select); coding-DNA position 8595, C replaced by T.
Protein change: p.Ala2865=; no amino-acid change (alanine 2865 retained).
Molecular consequence: synonymous variant.
Genome position (GRCh38, 1-based): chr1:152,306,291, G>A on the plus strand (C>T on the coding strand, the complement: FLG is on the minus strand). VCF-style: chr1-152306291-G-A. GRCh37 (hg19) VCF-style: chr1-152278767-G-A.
Identifiers: ClinVar variation 3778110 (VCV003778110.7).

ClinVar aggregate classification (germline): Likely benign (1 of 4 stars; one submission).

Submission:

CeGaT Center for Human Genetics Tuebingen
Classification: Likely benign. Last evaluated: 2025-03-01. Review status: criteria provided, single submitter. Criteria: CeGaT Center For Human Genetics Tuebingen Variant Classification Criteria Version 2. Collection method: clinical testing. Allele origin: germline. Affected: yes. Observed: 1 variant allele.
Comment: FLG: BP4, BP7